The following is an entry in ClinVar:

NM_003803.4(MYOM1):c.2906A>G (p.Tyr969Cys)

Gene: MYOM1 (myomesin 1; minus strand). Cytogenetic location: 18p11.31.
Variant type: single nucleotide variant.
Coding change: c.2906A>G on transcript NM_003803.4 (MANE Select); coding-DNA position 2906, A replaced by G.
Protein change: p.Tyr969Cys; replaces tyrosine 969 with cysteine.
Molecular consequence: missense variant.
Genome position (GRCh38, 1-based): chr18:3,126,786, T>C on the plus strand (A>G on the coding strand, the complement: MYOM1 is on the minus strand). VCF-style: chr18-3126786-T-C. GRCh37 (hg19) VCF-style: chr18-3126784-T-C.
Other names: c.2618A>G, p.Tyr873Cys (NM_019856.2); c.2906A>G (NM_003803.3); short protein forms Y969C, Y873C.
Identifiers: ClinVar variation 1486514 (VCV001486514.9), dbSNP rs200780735, ClinGen allele CA8874498.

ClinVar aggregate classification (germline): Uncertain significance. Review status: criteria provided, multiple submitters, no conflicts (2 of 4 stars). 2 submissions from 2 submitters: Uncertain significance (2). Last evaluated 2025-09-06.

Conditions:
Hypertrophic cardiomyopathy. Also called: HYPERTROPHIC MYOCARDIOPATHY. Identifiers: Orphanet 217569, MedGen C0007194, MeSH D002312, MONDO:0005045, HP:0001639.

Allele frequency attached by ClinVar (database versions not stated): gnomAD exomes 0.00008 and 0.00011; ExAC 0.00009; gnomAD 0.00011; TOPMed 0.00021; ESP Exome Variant Server 0.00024.
gnomAD v4.1: 180 of 1,613,828 alleles (0.011%); highest among the groups gnomAD compares: Admixed American, 0.023%; no homozygotes.

Submissions (2):

Labcorp Genetics (formerly Invitae), Labcorp
Classification: Uncertain significance for Hypertrophic cardiomyopathy. Last evaluated: 2025-09-06. Review status: criteria provided, single submitter. Criteria: Invitae Variant Classification Sherloc (09022015). Collection method: clinical testing. Allele origin: germline.
Comment: This sequence change replaces tyrosine, which is neutral and polar, with cysteine, which is neutral and slightly polar, at codon 969 of the MYOM1 protein (p.Tyr969Cys). This variant is present in population databases (rs200780735, gnomAD 0.01%). This variant has not been reported in the literature in individuals affected with MYOM1-related conditions. ClinVar contains an entry for this variant (Variation ID: 1486514). Invitae Evidence Modeling of protein sequence and biophysical properties (such as structural, functional, and spatial information, amino acid conservation, physicochemical variation, residue mobility, and thermodynamic stability) indicates that this missense variant is not expected to disrupt MYOM1 protein function with a negative predictive value of 80%. In summary, the available evidence is currently insufficient to determine the role of this variant in disease. Therefore, it has been classified as a Variant of Uncertain Significance.

Ambry Genetics
Classification: Uncertain significance. Last evaluated: 2025-05-28. Review status: criteria provided, single submitter. Criteria: Ambry Variant Classification Scheme 2023. Collection method: clinical testing. Allele origin: germline.